The following is an entry in ClinVar:

ClinVar aggregate classification (germline): Uncertain significance (1 of 4 stars; one submission).

Allele frequency attached by ClinVar (database versions not stated): gnomAD exomes below 0.00001; gnomAD 0.00001; TOPMed 0.00001.
gnomAD v4.1: 7 of 1,597,162 alleles (0.00044%); highest among the groups gnomAD compares: African/African-American, 0.0027%; no homozygotes.

Submission:

Labcorp Genetics (formerly Invitae), Labcorp
Classification: Uncertain significance. Last evaluated: 2023-11-24. Review status: criteria provided, single submitter. Criteria: Invitae Variant Classification Sherloc (09022015). Collection method: clinical testing. Allele origin: germline.
Comment: This sequence change replaces threonine, which is neutral and polar, with alanine, which is neutral and non-polar, at codon 2720 of the TRRAP protein (p.Thr2720Ala). The frequency data for this variant in the population databases is considered unreliable, as metrics indicate poor data quality at this position in the gnomAD database. This variant has not been reported in the literature in individuals affected with TRRAP-related conditions. Advanced modeling of protein sequence and biophysical properties (such as structural, functional, and spatial information, amino acid conservation, physicochemical variation, residue mobility, and thermodynamic stability) performed at Invitae indicates that this missense variant is not expected to disrupt TRRAP protein function with a negative predictive value of 80%. In summary, the available evidence is currently insufficient to determine the role of this variant in disease. Therefore, it has been classified as a Variant of Uncertain Significance.

NM_001375524.1(TRRAP):c.8233A>G (p.Thr2745Ala)

Gene: TRRAP (transformation/transcription domain associated protein; plus strand). Cytogenetic location: 7q22.1.
Variant type: single nucleotide variant.
Coding change: c.8233A>G on transcript NM_001375524.1 (MANE Select); coding-DNA position 8233, A replaced by G.
Protein change: p.Thr2745Ala; replaces threonine 2745 with alanine.
Molecular consequence: missense variant.
Genome position (GRCh38, 1-based): chr7:98,976,756, A>G. VCF-style: chr7-98976756-A-G. GRCh37 (hg19) VCF-style: chr7-98574379-A-G.
Other names: c.8212A>G, p.Thr2738Ala (NM_001244580.2); c.8158A>G, p.Thr2720Ala (NM_003496.4); short protein forms T2738A, T2745A, T2720A.
Identifiers: ClinVar variation 2992041 (VCV002992041.2), dbSNP rs764967265, ClinGen allele CA4361348.